The following is an entry in ClinVar:

ClinVar aggregate classification (germline): Pathogenic/Likely pathogenic. Review status: criteria provided, multiple submitters, no conflicts (2 of 4 stars). 5 submissions from 5 submitters: Pathogenic (3); Likely pathogenic (1). 1 of the submissions does not count toward it. Last evaluated 2024-12-10.

Conditions:
Neurogenic scapuloperoneal syndrome, Kaeser type (SCPNK). Also called: KAESER SYNDROME. Identifiers: Orphanet 85146, MedGen C1867005, MONDO:0008407, OMIM 181400.
Dilated cardiomyopathy 1I (CMD1I). Identifiers: Orphanet 154, MedGen C1858154, MONDO:0011482, OMIM 604765.
Desmin-related myofibrillar myopathy (MFM1). Also called: MYOFIBRILLAR MYOPATHY WITH ARRHYTHMOGENIC RIGHT VENTRICULAR CARDIOMYOPATHY; DESMIN-RELATED MYOPATHY WITH ARRHYTHMOGENIC RIGHT VENTRICULAR CARDIOMYOPATHY; Desmin related myopathy (former name); Desmin storage myopathy (former name); Myofibrillar myopathy 1; Desminopathy. Identifiers: Orphanet 363543, Orphanet 98909, MedGen C1832370, MONDO:0011076, OMIM 601419.
DES-related disorder. Also called: DES-related condition.
DES-related disorders.

Allele frequency attached by ClinVar (database versions not stated): gnomAD exomes 0.00001; TOPMed 0.00002; gnomAD 0.00003.

Submissions (5):

Labcorp Genetics (formerly Invitae), Labcorp
Classification: Pathogenic for Desmin-related myofibrillar myopathy. Last evaluated: 2024-12-10. Review status: criteria provided, single submitter. Criteria: Invitae Variant Classification Sherloc (09022015). Collection method: clinical testing. Allele origin: germline.
Comment: This sequence change creates a premature translational stop signal (p.Thr76Profs*22) in the DES gene. It is expected to result in an absent or disrupted protein product. Loss-of-function variants in DES are known to be pathogenic (PMID: 23575897). This variant is present in population databases (no rsID available, gnomAD 0.001%). This premature translational stop signal has been observed in individual(s) with recessive desmin-null muscular dystrophy (PMID: 23575897). It has also been observed to segregate with disease in related individuals. This variant is also known as p.Thr76fsX21. ClinVar contains an entry for this variant (Variation ID: 643624). For these reasons, this variant has been classified as Pathogenic.

GeneDx
Classification: Pathogenic. Last evaluated: 2024-11-22. Review status: criteria provided, single submitter. Criteria: GeneDx Variant Classification Process June 2021. Collection method: clinical testing. Allele origin: germline. Affected: yes.
Comment: Frameshift variant predicted to result in protein truncation or nonsense mediated decay in a gene for which loss of function is a known mechanism of disease; Not observed at significant frequency in large population cohorts (gnomAD); This variant is associated with the following publications: (PMID: 36555543, 31006259, 23575897, 35675837)

Fulgent Genetics
Classification: Pathogenic for Neurogenic scapuloperoneal syndrome, Kaeser type; Desmin-related myofibrillar myopathy; Dilated cardiomyopathy 1I. Last evaluated: 2021-09-20. Review status: criteria provided, single submitter. Criteria: ACMG Guidelines, 2015. Collection method: clinical testing. Allele origin: unknown.

Blueprint Genetics
Classification: Likely pathogenic for DES-related disorders. Last evaluated: 2020-08-05. Review status: criteria provided, single submitter. Criteria: ACMG Guidelines, 2015. Collection method: clinical testing. Allele origin: germline. Affected: yes. Observed: 1 variant allele.

PreventionGenetics, part of Exact Sciences
Classification: Pathogenic for DES-related condition. Last evaluated: 2024-06-23. Review status: no assertion criteria provided. Collection method: clinical testing. Allele origin: germline. Not counted in ClinVar's aggregate classification.
Comment: The DES c.226delA variant is predicted to result in a frameshift and premature protein termination (p.Thr76Profs*22). This variant was reported in the compound heterozygous state in two individuals with myofibrillar myopathy and was shown to segregate with disease (Henderson et al 2013. PubMed ID: 23575897). This variant was also reported in a cohort study if children with a family history of hypertrophic cardiomyopathy; however, this patient also carried a likely pathogenic MYH7 variant (Supp. Table 1 Norrish G et al 2019. PubMed ID: 31006259). This variant is reported in 0.0022% of alleles in individuals of European (non-Finnish) descent in gnomAD. Frameshift variants in DES are expected to be pathogenic for autosomal recessive DES-related disorders (Onore et al. 2022. PubMed ID: 36555543). It is interpreted as pathogenic in ClinVar. This variant is interpreted as pathogenic for autosomal recessive DES-related disorders.

Literature cited by the submitters: PubMed 23575897 (cited by Labcorp Genetics (formerly Invitae), Labcorp).

NM_001927.4(DES):c.226del (p.Thr76fs)

Gene: DES (desmin; plus strand). Cytogenetic location: 2q35.
Variant type: Deletion.
Coding change: c.226del on transcript NM_001927.4 (MANE Select); coding-DNA position 226, one base deleted (A; older notation c.226delA).
Protein change: p.Thr76fs; shifts the reading frame from threonine 76.
Molecular consequence: frameshift variant.
Genome position (GRCh38, 1-based): chr2:219,418,688, A deleted. VCF-style (leftmost placement, unchanged base first): chr2-219418687-GA-G. GRCh37 (hg19) VCF-style: chr2-220283409-GA-G.
Other names: c.226del (NM_001927.3); short protein forms T76fs.
Identifiers: ClinVar variation 643624 (VCV000643624.14), dbSNP rs1399282762, ClinGen allele CA16616730.